The following is an entry in ClinVar:

ClinVar aggregate classification (germline): Benign/Likely benign. Review status: criteria provided, multiple submitters, no conflicts (2 of 4 stars). 4 submissions from 4 submitters: Benign (2); Likely benign (1). 1 of the submissions does not count toward it. Last evaluated 2025-08-04.

Conditions:
DZIP1L-related disorder. Also called: DZIP1L-related condition.

Allele frequency attached by ClinVar (database versions not stated): TOPMed 0.00232; ESP Exome Variant Server 0.00238; 1000 Genomes Project 0.00379; 1000 Genomes Project 30x 0.00422; ExAC 0.00072.

Submissions (4):

Labcorp Genetics (formerly Invitae), Labcorp
Classification: Benign. Last evaluated: 2025-08-04. Review status: criteria provided, single submitter. Criteria: Invitae Variant Classification Sherloc (09022015). Collection method: clinical testing. Allele origin: germline.

CeGaT Center for Human Genetics Tuebingen
Classification: Likely benign. Last evaluated: 2023-05-01. Review status: criteria provided, single submitter. Criteria: CeGaT Center For Human Genetics Tuebingen Variant Classification Criteria Version 2. Collection method: clinical testing. Allele origin: germline. Affected: yes. Observed: 2 variant alleles.
Comment: DZIP1L: BP4, BS2

Breakthrough Genomics
Classification: Benign. Review status: criteria provided, single submitter. Criteria: ACMG Guidelines, 2015. Collection method: not provided. Allele origin: germline. Inheritance: Autosomal recessive inheritance. Affected: yes.

PreventionGenetics, part of Exact Sciences
Classification: Likely benign for DZIP1L-related condition. Last evaluated: 2020-05-01. Review status: no assertion criteria provided. Collection method: clinical testing. Allele origin: germline. Not counted in ClinVar's aggregate classification.
Comment: This variant is classified as likely benign based on ACMG/AMP sequence variant interpretation guidelines (Richards et al. 2015 PMID: 25741868, with internal and published modifications).

NM_173543.3(DZIP1L):c.2233C>T (p.Arg745Cys)

Gene: DZIP1L (DAZ interacting zinc finger protein 1 like; minus strand). Cytogenetic location: 3q22.3.
Variant type: single nucleotide variant.
Coding change: c.2233C>T on transcript NM_173543.3 (MANE Select); coding-DNA position 2233, C replaced by T.
Protein change: p.Arg745Cys; replaces arginine 745 with cysteine.
Molecular consequence: missense variant.
Genome position (GRCh38, 1-based): chr3:138,062,887, G>A on the plus strand (C>T on the coding strand, the complement: DZIP1L is on the minus strand). VCF-style: chr3-138062887-G-A. GRCh37 (hg19) VCF-style: chr3-137781729-G-A.
Other names: short protein forms R745C.
Identifiers: ClinVar variation 775910 (VCV000775910.36), dbSNP rs146029706, ClinGen allele CA2634607.